The following is an entry in ClinVar:

ClinVar aggregate classification (germline): Uncertain significance (1 of 4 stars; one submission).

Conditions:
Cardiovascular phenotype. Identifiers: MedGen CN230736.

Allele frequency attached by ClinVar (database versions not stated): gnomAD exomes below 0.00001; gnomAD 0.00001.
gnomAD v4.1: 5 of 1,605,940 alleles (0.00031%); highest among the groups gnomAD compares: Non-Finnish European, 0.00043%; no homozygotes.

Submission:

Ambry Genetics
Classification: Uncertain significance for Cardiovascular phenotype. Last evaluated: 2023-05-15. Review status: criteria provided, single submitter. Criteria: Ambry Variant Classification Scheme 2023. Collection method: clinical testing. Allele origin: germline.
Comment: The p.G1769E variant (also known as c.5306G>A), located in coding exon 14 of the TNXB gene, results from a G to A substitution at nucleotide position 5306. The glycine at codon 1769 is replaced by glutamic acid, an amino acid with similar properties. This amino acid position is conserved. In addition, this alteration is predicted to be tolerated by in silico analysis. Since supporting evidence is limited at this time, the clinical significance of this alteration remains unclear.

NM_001365276.2(TNXB):c.5306G>A (p.Gly1769Glu)

Gene: TNXB (tenascin XB; minus strand). Cytogenetic location: 6p21.33.
Variant type: single nucleotide variant.
Coding change: c.5306G>A on transcript NM_001365276.2 (MANE Select); coding-DNA position 5306, G replaced by A.
Protein change: p.Gly1769Glu; replaces glycine 1769 with glutamic acid.
Molecular consequence: missense variant.
Genome position (GRCh38, 1-based): chr6:32,069,834, C>T on the plus strand (G>A on the coding strand, the complement: TNXB is on the minus strand). VCF-style: chr6-32069834-C-T. GRCh37 (hg19) VCF-style: chr6-32037611-C-T.
Other names: c.5306G>A, p.Gly1769Glu (NM_019105.8); short protein forms G1769E.
Identifiers: ClinVar variation 2565745 (VCV002565745.2), dbSNP rs1263921951, ClinGen allele CA363414059.